The following is an entry in ClinVar:

ClinVar aggregate classification (germline): Likely benign (0 of 4 stars; one submission).

Conditions:
AGMO-related disorder. Also called: AGMO-related condition.

Allele frequency attached by ClinVar (database versions not stated): TOPMed 0.00002; gnomAD 0.00007; gnomAD exomes 0.00014; ExAC 0.00037; 1000 Genomes Project 30x 0.00047; 1000 Genomes Project 0.00060.
gnomAD v4.1: 218 of 1,612,506 alleles (0.014%); highest among the groups gnomAD compares: South Asian, 0.23%; 6 homozygotes.

Submission:

PreventionGenetics, part of Exact Sciences
Classification: Likely benign for AGMO-related condition. Last evaluated: 2022-05-10. Review status: no assertion criteria provided. Collection method: clinical testing. Allele origin: germline.
Comment: This variant is classified as likely benign based on ACMG/AMP sequence variant interpretation guidelines (Richards et al. 2015 PMID: 25741868, with internal and published modifications).

NM_001004320.2(AGMO):c.1181C>G (p.Thr394Ser)

Gene: AGMO (alkylglycerol monooxygenase; minus strand). Cytogenetic location: 7p21.2.
Variant type: single nucleotide variant.
Coding change: c.1181C>G on transcript NM_001004320.2 (MANE Select); coding-DNA position 1181, C replaced by G.
Protein change: p.Thr394Ser; replaces threonine 394 with serine.
Molecular consequence: missense variant.
Genome position (GRCh38, 1-based): chr7:15,365,596, G>C on the plus strand (C>G on the coding strand, the complement: AGMO is on the minus strand). VCF-style: chr7-15365596-G-C. GRCh37 (hg19) VCF-style: chr7-15405221-G-C.
Other names: short protein forms T394S.
Identifiers: ClinVar variation 3045580 (VCV003045580.2), dbSNP rs549433708, ClinGen allele CA4168323.